The following is an entry in ClinVar:

NM_198576.4(AGRN):c.463+6T>C

Genes: AGRN (agrin; plus strand), LOC126805576 (P300/CBP strongly-dependent group 1 enhancer GRCh37_chr1:956772-957971; plus strand). Cytogenetic location: 1p36.33.
Variant type: single nucleotide variant.
Coding change: c.463+6T>C on transcript NM_198576.4 (MANE Select); 6 bases into the intron after coding-DNA position 463, T replaced by C.
Molecular consequence: intron variant.
Genome position (GRCh38, 1-based): chr1:1,022,468, T>C. VCF-style: chr1-1022468-T-C. GRCh37 (hg19) VCF-style: chr1-957848-T-C.
Other names: c.463+6T>C (NM_001305275.2).
Identifiers: ClinVar variation 4075528 (VCV004075528.1).

ClinVar aggregate classification (germline): Uncertain significance (1 of 4 stars; one submission).

gnomAD v4.1: 2 of 1,602,326 alleles (0.00012%); highest among the groups gnomAD compares: African/African-American, 0.0013%; no homozygotes.

Submission:

GeneDx
Classification: Uncertain significance. Last evaluated: 2025-02-12. Review status: criteria provided, single submitter. Criteria: GeneDx Variant Classification Process June 2021. Collection method: clinical testing. Allele origin: germline. Affected: yes.
Comment: Not observed at significant frequency in large population cohorts (gnomAD); In silico analysis suggests this variant may impact gene splicing. In the absence of RNA/functional studies, the actual effect of this sequence change is unknown.; Has not been previously published as pathogenic or benign to our knowledge